The following is an entry in ClinVar:

NM_000383.4(AIRE):c.469C>T (p.Gln157Ter)

Gene: AIRE (autoimmune regulator; plus strand). Cytogenetic location: 21q22.3.
Variant type: single nucleotide variant.
Coding change: c.469C>T on transcript NM_000383.4 (MANE Select); coding-DNA position 469, C replaced by T.
Protein change: p.Gln157Ter; replaces glutamine 157 with a stop codon.
Molecular consequence: nonsense.
Genome position (GRCh38, 1-based): chr21:44,287,522, C>T. VCF-style: chr21-44287522-C-T. GRCh37 (hg19) VCF-style: chr21-45707405-C-T.
Other names: short protein forms Q157*.
Identifiers: ClinVar variation 567249 (VCV000567249.7), dbSNP rs1488613451, ClinGen allele CA410423901.

ClinVar aggregate classification (germline): Pathogenic. Review status: criteria provided, multiple submitters, no conflicts (2 of 4 stars). 2 submissions from 2 submitters: Pathogenic (2). Last evaluated 2024-05-08.

Conditions:
Polyglandular autoimmune syndrome, type 1 (APS1). Also called: Autoimmune polyendocrine syndrome type 1; AUTOIMMUNE POLYENDOCRINE SYNDROME, TYPE I, WITH OR WITHOUT REVERSIBLE METAPHYSEAL DYSPLASIA; Whitaker syndrome; APS I; HYPOADRENOCORTICISM WITH HYPOPARATHYROIDISM AND SUPERFICIAL MONILIASIS; PGA I. Identifiers: Orphanet 3453, MedGen C0085859, MONDO:0009411, OMIM 240300.

Allele frequency attached by ClinVar (database versions not stated): gnomAD 0.00001 and below 0.00001; gnomAD exomes 0.00001 and below 0.00001.

Submissions (2):

Myriad Genetics, Inc.
Classification: Pathogenic for Polyglandular autoimmune syndrome, type 1. Last evaluated: 2024-05-08. Review status: criteria provided, single submitter. Criteria: Myriad Autosomal Dominant, Autosomal Recessive and X-Linked Classification Criteria (2023). Collection method: clinical testing. Allele origin: unknown.
Comment: NM_000383.3(AIRE):c.469C>T(Q157*) is expected to be pathogenic in the context of autoimmune polyglandular syndrome type 1. This variant is predicted to lead to an abnormal or absent protein product due to the creation of a premature termination codon in AIRE, a gene where loss-of-function variants are known to be pathogenic. Please note: this variant was assessed in the context of healthy population screening.

Labcorp Genetics (formerly Invitae), Labcorp
Classification: Pathogenic for Polyglandular autoimmune syndrome, type 1. Last evaluated: 2018-04-23. Review status: criteria provided, single submitter. Criteria: Invitae Variant Classification Sherloc (09022015). Collection method: clinical testing. Allele origin: germline.
Comment: This sequence change creates a premature translational stop signal (p.Gln157*) in the AIRE gene. It is expected to result in an absent or disrupted protein product. This variant is not present in population databases (ExAC no frequency). This variant has not been reported in the literature in individuals with AIRE-related disease. Loss-of-function variants in AIRE are known to be pathogenic (PMID: 11524731, 26141571). For these reasons, this variant has been classified as Pathogenic.

Literature cited by the submitters: PubMed 11524731 (cited by Labcorp Genetics (formerly Invitae), Labcorp); PubMed 26141571 (cited by Labcorp Genetics (formerly Invitae), Labcorp).